The following is an entry in ClinVar:

NM_002907.4(RECQL):c.1285A>G (p.Met429Val)

Gene: RECQL (RecQ like helicase; minus strand). Cytogenetic location: 12p12.1.
Variant type: single nucleotide variant.
Coding change: c.1285A>G on transcript NM_002907.4 (MANE Select); coding-DNA position 1285, A replaced by G.
Protein change: p.Met429Val; replaces methionine 429 with valine.
Molecular consequence: missense variant.
Genome position (GRCh38, 1-based): chr12:21,474,911, T>C on the plus strand (A>G on the coding strand, the complement: RECQL is on the minus strand). VCF-style: chr12-21474911-T-C. GRCh37 (hg19) VCF-style: chr12-21627845-T-C.
Other names: c.1285A>G, p.Met429Val (NM_032941.3); short protein forms M429V.
Identifiers: ClinVar variation 811880 (VCV000811880.25), dbSNP rs368679142, ClinGen allele CA6478802.

ClinVar aggregate classification (germline): Uncertain significance. Review status: criteria provided, multiple submitters, no conflicts (2 of 4 stars). 6 submissions from 6 submitters: Uncertain significance (6). Last evaluated 2026-08-02.

Conditions:
RECQL-related disorder. Also called: RECQL-related condition.

Allele frequency attached by ClinVar (database versions not stated): gnomAD exomes 0.00001 and 0.00003; ExAC 0.00004; TOPMed 0.00005; gnomAD 0.00006; ESP Exome Variant Server 0.00008.
gnomAD v4.1: 24 of 1,613,062 alleles (0.0015%); highest among the groups gnomAD compares: African/African-American, 0.0067%; no homozygotes.

Submissions (6):

PreventionGenetics, part of Exact Sciences
Classification: Uncertain significance for RECQL-related condition. Last evaluated: 2026-08-02. Review status: criteria provided, single submitter. Criteria: ACMG Guidelines, 2015. Collection method: clinical testing. Allele origin: germline.
Comment: The RECQL c.1285A>G variant is predicted to result in the amino acid substitution p.Met429Val. To our knowledge, this variant has not been reported in the literature. This variant is reported in 0.012% of alleles in individuals of African descent in gnomAD and is interpreted as a variant of uncertain significance in ClinVar (Variation ID: 811880). At this time, the clinical significance of this variant is uncertain due to the absence of conclusive functional and genetic evidence.

Labcorp Genetics (formerly Invitae), Labcorp
Classification: Uncertain significance. Last evaluated: 2025-11-24. Review status: criteria provided, single submitter. Criteria: Invitae Variant Classification Sherloc (09022015). Collection method: clinical testing. Allele origin: germline.
Comment: This sequence change replaces methionine, which is neutral and non-polar, with valine, which is neutral and non-polar, at codon 429 of the RECQL protein (p.Met429Val). This variant is present in population databases (rs368679142, gnomAD 0.01%). This variant has not been reported in the literature in individuals affected with RECQL-related conditions. ClinVar contains an entry for this variant (Variation ID: 811880). Invitae Evidence Modeling of protein sequence and biophysical properties (such as structural, functional, and spatial information, amino acid conservation, physicochemical variation, residue mobility, and thermodynamic stability) indicates that this missense variant is expected to disrupt RECQL protein function with a positive predictive value of 80%. In summary, the available evidence is currently insufficient to determine the role of this variant in disease. Therefore, it has been classified as a Variant of Uncertain Significance.

Ambry Genetics
Classification: Uncertain significance. Last evaluated: 2024-09-15. Review status: criteria provided, single submitter. Criteria: Ambry Variant Classification Scheme 2023. Collection method: clinical testing. Allele origin: germline.
Comment: The p.M429V variant (also known as c.1285A>G), located in coding exon 10 of the RECQL gene, results from an A to G substitution at nucleotide position 1285. The methionine at codon 429 is replaced by valine, an amino acid with highly similar properties. This amino acid position is highly conserved in available vertebrate species. In addition, this alteration is predicted to be tolerated by in silico analysis. Since supporting evidence is limited at this time, the clinical significance of this alteration remains unclear.

GeneDx
Classification: Uncertain significance. Last evaluated: 2023-08-02. Review status: criteria provided, single submitter. Criteria: GeneDx Variant Classification Process June 2021. Collection method: clinical testing. Allele origin: germline. Affected: yes.
Comment: Has not been previously published as pathogenic or benign to our knowledge; In silico analysis supports that this missense variant has a deleterious effect on protein structure/function; Variants in candidate genes are classified as variants of uncertain significance in accordance with ACMG guidelines (Richards et al., 2015); This variant is associated with the following publications: (PMID: 27248010, 19151156)

Quest Diagnostics Nichols Institute San Juan Capistrano
Classification: Uncertain significance. Last evaluated: 2023-01-30. Review status: criteria provided, single submitter. Criteria: Quest Diagnostics criteria. Collection method: clinical testing. Allele origin: unknown.
Comment: The frequency of this variant in the general population, 0.000028 (7/250844 chromosomes), is uninformative in assessment of its pathogenicity. In a large-scale case-control study, the variant has been reported in at least one individual with breast cancer as well as in unaffected controls (PMID: 33471991 (2021), see also LOVD (RECQL)). Analysis of this variant using bioinformatics tools for the prediction of the effect of amino acid changes on protein structure and function yielded predictions that this variant is damaging. Based on the available information, we are unable to determine the clinical significance of this variant.

ARUP Laboratories, Molecular Genetics and Genomics, ARUP Laboratories
Classification: Uncertain significance. Last evaluated: 2019-01-29. Review status: criteria provided, single submitter. Criteria: ARUP Molecular Germline Variant Investigation Process. Collection method: clinical testing. Allele origin: germline.
Comment: The RECQL c.1285A>G; p.Met429Val variant (rs368679142), to our knowledge, is not reported in the medical literature or gene specific databases. This variant is found in the general population with an overall allele frequency of 0.003% (7/250844 alleles) in the Genome Aggregation Database. The methionine at codon 429 is highly conserved, but computational analyses (SIFT: Damaging, PolyPhen-2: Benign) predict conflicting effects of this variant on protein structure/function. Due to limited information, the clinical significance of this variant is uncertain at this time.

Literature cited by the submitters: PubMed 33471991 (cited by Quest Diagnostics Nichols Institute San Juan Capistrano).